The following is an entry in ClinVar:

NM_014712.3(SETD1A):c.4000G>T (p.Glu1334Ter)

Gene: SETD1A (SET domain containing 1A, histone lysine methyltransferase; plus strand). Cytogenetic location: 16p11.2.
Variant type: single nucleotide variant.
Coding change: c.4000G>T on transcript NM_014712.3 (MANE Select); coding-DNA position 4000, G replaced by T.
Protein change: p.Glu1334Ter; replaces glutamic acid 1334 with a stop codon.
Molecular consequence: nonsense.
Genome position (GRCh38, 1-based): chr16:30,979,786, G>T. VCF-style: chr16-30979786-G-T. GRCh37 (hg19) VCF-style: chr16-30991107-G-T.
Other names: short protein forms E1334*.
Identifiers: ClinVar variation 5029414 (VCV005029414.1).

ClinVar aggregate classification (germline): Pathogenic (1 of 4 stars; one submission).

Conditions:
Inborn genetic diseases. Identifiers: MedGen C0950123, MeSH D030342.

Submission:

Ambry Genetics
Classification: Pathogenic for Inborn genetic diseases. Last evaluated: 2026-07-13. Review status: criteria provided, single submitter. Criteria: Ambry Variant Classification Scheme 2023. Collection method: clinical testing. Allele origin: germline.
Comment: The c.4000G>T (p.E1334*) alteration, located in exon 14 (coding exon 13) of the SETD1A gene, consists of a G to T substitution at nucleotide position 4000. This changes the amino acid from a glutamic acid (E) to a stop codon at amino acid position 1334. This variant is expected to result in loss of function by premature protein truncation or nonsense-mediated mRNA decay. This variant was not reported in population-based cohorts in the Genome Aggregation Database (gnomAD). Based on the available evidence, this alteration is classified as pathogenic.